The following is an entry in ClinVar:

NC_012920.1(MT-ATP6):m.9128T>C

Gene: MT-ATP6 (mitochondrially encoded ATP synthase 6; plus strand).
Variant type: single nucleotide variant.
Genome position: chrM-9128-T-C.
Identifiers: ClinVar variation 693102 (VCV000693102.1), dbSNP rs878867946, ClinGen allele CA337098235.
Genomic context (GRCh38, chrMT:9,128, plus strand): 5'-TATCAACCATTAACCTTCCCTCTACACTTATCATCTTCACAATTCTAATTCTACTGACTA[T>C]CCTAGAAATCGCTGTCGCCTTAATCCAAGCCTACGTTTTCACACTTCTAGTAAGCCTCTA-3'

ClinVar aggregate classification (germline): Benign (1 of 4 stars; one submission).

Conditions:
Leigh syndrome (NULS). Also called: Leigh's necrotizing encephalopathy; Leigh's disease; Leigh Syndrome (mtDNA deletion); Leigh Disease; Subacute necrotizing encephalopathy; Necrotizing encephalopathy infantile subacute of Leigh. Identifiers: Orphanet 506, MedGen C2931891, MONDO:0009723, OMIM 256000.

Submission:

Wong Mito Lab, Molecular and Human Genetics, Baylor College of Medicine
Classification: Benign for Leigh syndrome. Last evaluated: 2019-10-17. Review status: criteria provided, single submitter. Criteria: Modified ACMG Guidelines (Unpublished). Collection method: clinical testing. Allele origin: germline.
Comment: The NC_012920.1:m.9128T>C (YP_003024031.1:p.Ile201Thr) variant in MTATP6 gene is interpretated to be a Benign variant based on the modified ACMG guidelines (unpublished). This variant meets the following evidence codes: BS1, BS2, BP4